The following is an entry in ClinVar:

NM_018896.5(CACNA1G):c.6411G>T (p.Arg2137Ser)

Gene: CACNA1G (calcium voltage-gated channel subunit alpha1 G; plus strand). Cytogenetic location: 17q21.33.
Variant type: single nucleotide variant.
Coding change: c.6411G>T on transcript NM_018896.5 (MANE Select); coding-DNA position 6411, G replaced by T.
Protein change: p.Arg2137Ser; replaces arginine 2137 with serine.
Molecular consequence: missense variant. On other transcripts: non-coding transcript variant (5).
Genome position (GRCh38, 1-based): chr17:50,626,028, G>T. VCF-style: chr17-50626028-G-T. GRCh37 (hg19) VCF-style: chr17-48703389-G-T.
Other names: c.6222G>T, p.Arg2074Ser (NM_001256324.2); c.6153G>T, p.Arg2051Ser (NM_001256325.2); c.6141G>T, p.Arg2047Ser (NM_001256326.2); c.6111G>T, p.Arg2037Ser (NM_001256327.2); c.6057G>T, p.Arg2019Ser (NM_001256328.2); c.6030G>T, p.Arg2010Ser (NM_001256329.2, NM_198376.3, NM_198387.3); c.5997G>T, p.Arg1999Ser (NM_001256330.2); c.5976G>T, p.Arg1992Ser (NM_001256331.2); and 15 more; short protein forms R1987S, R1992S, R1999S, R2003S, R2006S, R2008S, R2010S, R2017S.
Identifiers: ClinVar variation 4800908 (VCV004800908.1).

ClinVar aggregate classification (germline): Uncertain significance (1 of 4 stars; one submission).

Submission:

Labcorp Genetics (formerly Invitae), Labcorp
Classification: Uncertain significance. Last evaluated: 2025-07-06. Review status: criteria provided, single submitter. Criteria: Invitae Variant Classification Sherloc (09022015). Collection method: clinical testing. Allele origin: germline.
Comment: This sequence change replaces arginine, which is basic and polar, with serine, which is neutral and polar, at codon 2137 of the CACNA1G protein (p.Arg2137Ser). This variant is not present in population databases (gnomAD no frequency). This variant has not been reported in the literature in individuals affected with CACNA1G-related conditions. Invitae Evidence Modeling of protein sequence and biophysical properties (such as structural, functional, and spatial information, amino acid conservation, physicochemical variation, residue mobility, and thermodynamic stability) indicates that this missense variant is not expected to disrupt CACNA1G protein function with a negative predictive value of 95%. Algorithms developed to predict the effect of sequence changes on RNA splicing suggest that this variant may disrupt the consensus splice site. In summary, the available evidence is currently insufficient to determine the role of this variant in disease. Therefore, it has been classified as a Variant of Uncertain Significance.